The following is an entry in ClinVar:

ClinVar aggregate classification (germline): Conflicting classifications of pathogenicity. Review status: criteria provided, conflicting classifications (1 of 4 stars). 7 submissions from 7 submitters: Uncertain significance (5); Likely benign (2). Last evaluated 2026-04-14.

Conditions:
Breast-ovarian cancer, familial, susceptibility to, 2 (BROVCA2). Also called: BRCA2 Hereditary Breast and Ovarian Cancer. Identifiers: Orphanet 145, MedGen C2675520, MONDO:0012933, OMIM 612555. Disease mechanism: loss of function.
Hereditary cancer-predisposing syndrome. Also called: Tumor predisposition; Hereditary Cancer Syndrome; Hereditary neoplastic syndrome; Neoplastic Syndromes, Hereditary. Identifiers: Orphanet 140162, MedGen C0027672, MeSH D009386, MONDO:0015356.

Submissions (7):

Myriad Genetics, Inc.
Classification: Likely benign for Breast-ovarian cancer, familial, susceptibility to, 2. Last evaluated: 2026-04-14. Review status: criteria provided, single submitter. Criteria: Myriad Autosomal Dominant, Autosomal Recessive and X-Linked Classification Criteria (2023). Collection method: clinical testing. Allele origin: unknown.
Comment: This variant is considered likely benign. This variant is strongly associated with less severe personal and family histories of cancer, typical for individuals without pathogenic variants in this gene [PMID: 25085752].

Color Diagnostics, LLC DBA Color Health
Classification: Uncertain significance for Hereditary cancer-predisposing syndrome. Last evaluated: 2024-07-30. Review status: criteria provided, single submitter. Criteria: ACMG Guidelines, 2015. Collection method: clinical testing. Allele origin: germline.
Comment: This missense variant replaces glutamic acid with alanine at codon 2081 of the BRCA2 protein. Computational prediction suggests that this variant may not impact protein structure and function. To our knowledge, functional studies have not been reported for this variant. This variant has not been reported in individuals affected with BRCA2-related disorders in the literature. This variant has not been identified in the general population by the Genome Aggregation Database (gnomAD). The available evidence is insufficient to determine the role of this variant in disease conclusively. Therefore, this variant is classified as a Variant of Uncertain Significance.

University of Washington Department of Laboratory Medicine, University of Washington
Classification: Likely benign for Hereditary cancer-predisposing syndrome. Last evaluated: 2023-03-23. Review status: criteria provided, single submitter. Criteria: Dines et al. (Genet Med. 2020). Collection method: curation. Allele origin: germline.
Comment: Missense variant in a coldspot region where missense variants are very unlikely to be pathogenic (PMID:31911673).

BRCA2 exon 11 coldspot. Reclassification based on statistical prior probability.

Ambry Genetics
Classification: Uncertain significance for Hereditary cancer-predisposing syndrome. Last evaluated: 2021-07-25. Review status: criteria provided, single submitter. Criteria: Ambry Variant Classification Scheme 2023. Collection method: clinical testing. Allele origin: germline.
Comment: The p.E2081A variant (also known as c.6242A>C), located in coding exon 10 of the BRCA2 gene, results from an A to C substitution at nucleotide position 6242. The glutamic acid at codon 2081 is replaced by alanine, an amino acid with dissimilar properties. This amino acid position is not well conserved in available vertebrate species. In addition, the in silico prediction for this alteration is inconclusive. Since supporting evidence is limited at this time, the clinical significance of this alteration remains unclear.

Women's Health and Genetics/Laboratory Corporation of America, LabCorp
Classification: Uncertain significance. Last evaluated: 2020-08-31. Review status: criteria provided, single submitter. Criteria: LabCorp Variant Classification Summary - May 2015. Collection method: clinical testing. Allele origin: germline.
Comment: Variant summary: BRCA2 c.6242A>C (p.Glu2081Ala) results in a non-conservative amino acid change in the encoded protein sequence. Three of five in-silico tools predict a benign effect of the variant on protein function. The variant was absent in 245970 control chromosomes. The available data on variant occurrences in the general population are insufficient to allow any conclusion about variant significance. To our knowledge, no occurrence of c.6242A>C in individuals affected with Hereditary Breast And Ovarian Cancer Syndrome and no experimental evidence demonstrating its impact on protein function have been reported. Two clinical diagnostic laboratories have submitted clinical-significance assessments for this variant to ClinVar after 2014 without evidence for independent evaluation. All laboratories classified the variant as uncertain significance. Based on the evidence outlined above, the variant was classified as uncertain significance.

Quest Diagnostics Nichols Institute San Juan Capistrano
Classification: Uncertain significance. Last evaluated: 2019-10-18. Review status: criteria provided, single submitter. Criteria: Quest Diagnostics criteria. Collection method: clinical testing. Allele origin: unknown.

Mendelics
Classification: Uncertain significance for Breast-ovarian cancer, familial, susceptibility to, 2. Last evaluated: 2019-05-28. Review status: criteria provided, single submitter. Criteria: Mendelics Assertion Criteria 2017. Collection method: clinical testing. Allele origin: unknown.

Literature cited by the submitters: PubMed 25085752 (cited by Myriad Genetics, Inc.).

NM_000059.4(BRCA2):c.6242A>C (p.Glu2081Ala)

Gene: BRCA2 (BRCA2 DNA repair associated; plus strand). Cytogenetic location: 13q13.1.
Variant type: single nucleotide variant.
Coding change: c.6242A>C on transcript NM_000059.4 (MANE Select); coding-DNA position 6242, A replaced by C.
Protein change: p.Glu2081Ala; replaces glutamic acid 2081 with alanine.
Molecular consequence: missense variant.
Genome position (GRCh38, 1-based): chr13:32,340,597, A>C. VCF-style: chr13-32340597-A-C. GRCh37 (hg19) VCF-style: chr13-32914734-A-C.
Other names: short protein forms E2081A.
Identifiers: ClinVar variation 802937 (VCV000802937.12), dbSNP rs1593907983, ClinGen allele CA387788911.